The following is an entry in ClinVar:

NM_004415.4(DSP):c.597+2T>C

Gene: DSP (desmoplakin; plus strand). Cytogenetic location: 6p24.3.
Variant type: single nucleotide variant.
Coding change: c.597+2T>C on transcript NM_004415.4 (MANE Select); the canonical splice donor site of the intron after coding-DNA position 597, T replaced by C.
Molecular consequence: splice donor variant.
Genome position (GRCh38, 1-based): chr6:7,559,402, T>C. VCF-style: chr6-7559402-T-C. GRCh37 (hg19) VCF-style: chr6-7559635-T-C.
Other names: c.597+2T>C (NM_001319034.2, NM_001008844.3, NM_001406591.1).
Identifiers: ClinVar variation 3754893 (VCV003754893.2).
Genomic context (GRCh38, chr6:7,559,402, plus strand): 5'-GGGATGAGTTCACCAAACATGTCACCAGTGAATGTTTGGGGTGGATGAGGCAGCAAAGGG[T>C]AAGCAGCTTCTTGAACAGCCCAAACCTGTGCAGGCCAGACGTTCCAGCACGATGGGGTCA-3'

ClinVar aggregate classification (germline): Likely pathogenic (1 of 4 stars; one submission).

Conditions:
Arrhythmogenic cardiomyopathy with wooly hair and keratoderma. Also called: Dilated cardiomyopathy with woolly hair and keratoderma; PALMOPLANTAR KERATODERMA WITH LEFT VENTRICULAR CARDIOMYOPATHY AND WOOLLY HAIR; Carvajal syndrome; Arrhythmogenic cardiomyopathy with woolly hair and keratoderma. Identifiers: Orphanet 65282, MedGen C1854063, MONDO:0011581, OMIM 605676.
Arrhythmogenic right ventricular dysplasia 8 (ARVD8). Also called: Arrhythmogenic Right Ventricular Dysplasia/Cardiomyopathy 8; ARRHYTHMOGENIC RIGHT VENTRICULAR DYSPLASIA, FAMILIAL, 8; ARRHYTHMOGENIC RIGHT VENTRICULAR CARDIOMYOPATHY 8. Identifiers: MedGen C1843896, MONDO:0011831, OMIM 607450.

Submission:

Labcorp Genetics (formerly Invitae), Labcorp
Classification: Likely pathogenic for Arrhythmogenic cardiomyopathy with wooly hair and keratoderma; Arrhythmogenic right ventricular dysplasia 8. Last evaluated: 2024-06-19. Review status: criteria provided, single submitter. Criteria: Invitae Variant Classification Sherloc (09022015). Collection method: clinical testing. Allele origin: germline.
Comment: This sequence change affects a donor splice site in intron 4 of the DSP gene. It is expected to disrupt RNA splicing. Variants that disrupt the donor or acceptor splice site typically lead to a loss of protein function (PMID: 16199547), and loss-of-function variants in DSP are known to be pathogenic (PMID: 20716751, 24503780, 25227139). This variant is not present in population databases (gnomAD no frequency). This variant has not been reported in the literature in individuals affected with DSP-related conditions. Algorithms developed to predict the effect of sequence changes on RNA splicing suggest that this variant may disrupt the consensus splice site. In summary, the currently available evidence indicates that the variant is pathogenic, but additional data are needed to prove that conclusively. Therefore, this variant has been classified as Likely Pathogenic.

Literature cited by the submitters: PubMed 16199547; PubMed 20716751; PubMed 24503780; PubMed 25227139.